The following is an entry in ClinVar:

NM_001378969.1(KCND3):c.18G>A (p.Ala6=)

Gene: KCND3 (potassium voltage-gated channel subfamily D member 3; minus strand). Cytogenetic location: 1p13.2.
Variant type: single nucleotide variant.
Coding change: c.18G>A on transcript NM_001378969.1 (MANE Select); coding-DNA position 18, G replaced by A.
Protein change: p.Ala6=; no amino-acid change (alanine 6 retained).
Molecular consequence: synonymous variant.
Genome position (GRCh38, 1-based): chr1:111,982,709, C>T on the plus strand (G>A on the coding strand, the complement: KCND3 is on the minus strand). VCF-style: chr1-111982709-C-T. GRCh37 (hg19) VCF-style: chr1-112525331-C-T.
Other names: c.18G>A, p.Ala6= (NM_001378970.1, NM_004980.5, NM_172198.3).
Identifiers: ClinVar variation 1782277 (VCV001782277.7), dbSNP rs1222104971, ClinGen allele CA419631286.

ClinVar aggregate classification (germline): Likely benign. Review status: criteria provided, multiple submitters, no conflicts (2 of 4 stars). 3 submissions from 3 submitters: Likely benign (2). 1 of the submissions does not count toward it. Last evaluated 2023-03-26.

Conditions:
Cardiovascular phenotype. Identifiers: MedGen CN230736.
Spinocerebellar ataxia type 19/22 (SCA19). Also called: SPINOCEREBELLAR ATAXIA 19; SPINOCEREBELLAR ATAXIA 22. Identifiers: Orphanet 98772, MedGen C1846367, MONDO:0011819, OMIM 607346.
KCND3-related disorder. Also called: KCND3-related condition.

Allele frequency attached by ClinVar (database versions not stated): TOPMed 0.00002; gnomAD 0.00003.
gnomAD v4.1: 24 of 1,604,312 alleles (0.0015%); highest among the groups gnomAD compares: Non-Finnish European, 0.002%; no homozygotes.

Submissions (3):

Labcorp Genetics (formerly Invitae), Labcorp
Classification: Likely benign for Spinocerebellar ataxia type 19/22. Last evaluated: 2023-03-26. Review status: criteria provided, single submitter. Criteria: Invitae Variant Classification Sherloc (09022015). Collection method: clinical testing. Allele origin: germline.

Ambry Genetics
Classification: Likely benign for Cardiovascular phenotype. Last evaluated: 2022-03-06. Review status: criteria provided, single submitter. Criteria: Ambry Variant Classification Scheme 2023. Collection method: clinical testing. Allele origin: germline.

PreventionGenetics, part of Exact Sciences
Classification: Likely benign for KCND3-related condition. Last evaluated: 2021-11-10. Review status: no assertion criteria provided. Collection method: clinical testing. Allele origin: germline. Not counted in ClinVar's aggregate classification.
Comment: This variant is classified as likely benign based on ACMG/AMP sequence variant interpretation guidelines (Richards et al. 2015 PMID: 25741868, with internal and published modifications).